The following is an entry in ClinVar:

NM_000535.7(PMS2):c.409T>G (p.Phe137Val)

Gene: PMS2 (PMS1 homolog 2, mismatch repair system component; minus strand). Cytogenetic location: 7p22.1.
Variant type: single nucleotide variant.
Coding change: c.409T>G on transcript NM_000535.7 (MANE Select); coding-DNA position 409, T replaced by G.
Protein change: p.Phe137Val; replaces phenylalanine 137 with valine.
Molecular consequence: missense variant. On other transcripts: 5 prime UTR variant (2), non-coding transcript variant (1).
Genome position (GRCh38, 1-based): chr7:6,002,581, A>C on the plus strand (T>G on the coding strand, the complement: PMS2 is on the minus strand). VCF-style: chr7-6002581-A-C. GRCh37 (hg19) VCF-style: chr7-6042212-A-C.
Other names: c.4T>G, p.Phe2Val (NM_001322003.2, NM_001322004.2, NM_001322005.2 and 3 more transcripts); c.409T>G, p.Phe137Val (NM_001322006.2, NM_001322014.2); c.91T>G, p.Phe31Val (NM_001322007.2, NM_001322008.2); c.-476T>G (NM_001322011.2, NM_001322012.2); c.100T>G, p.Phe34Val (NM_001322015.2); c.409T>G (NM_000535.6); short protein forms F137V, F34V, F31V, F2V.
Identifiers: ClinVar variation 411066 (VCV000411066.17), dbSNP rs1060503141, ClinGen allele CA16612402.
Genomic context (GRCh38, chr7:6,002,581, plus strand): 5'-CTGTGGTCCCTCTGGGGCGGGGGTAGGGGGTTTTCTGGATAATTTTCCCATTGTGATCAA[A>C]CATCAGTCGAGTTCCAACCTTCGCCGATGCGTGGCAGGTAGAAATGGTGACATCGCTGTG-3'
Protein context (NP_000526.2, residues 127-147): ASAKVGTRLM[Phe137Val]DHNGKIIQKT

ClinVar aggregate classification (germline): Uncertain significance. Review status: criteria provided, multiple submitters, no conflicts (2 of 4 stars). 4 submissions from 4 submitters: Uncertain significance (4). Last evaluated 2025-02-14.

Conditions:
Lynch syndrome. Identifiers: Orphanet 144, MedGen C4552100, MONDO:0005835. Disease mechanism: loss of function.
Hereditary cancer-predisposing syndrome. Also called: Tumor predisposition; Hereditary Cancer Syndrome; Hereditary neoplastic syndrome; Neoplastic Syndromes, Hereditary. Identifiers: Orphanet 140162, MedGen C0027672, MeSH D009386, MONDO:0015356.
Hereditary nonpolyposis colorectal neoplasms. Identifiers: MedGen C0009405, MeSH D003123.

Allele frequency attached by ClinVar (database versions not stated): gnomAD exomes below 0.00001; TOPMed below 0.00001.
gnomAD v4.1: 1 of 1,611,924 alleles (0.000062%); highest among the groups gnomAD compares: Non-Finnish European, 0.000085%; no homozygotes.

Submissions (4):

Quest Diagnostics Nichols Institute San Juan Capistrano
Classification: Uncertain significance. Last evaluated: 2025-02-14. Review status: criteria provided, single submitter. Criteria: Quest Diagnostics criteria. Collection method: clinical testing. Allele origin: unknown.
Comment: The PMS2 c.409T>G (p.Phe137Val) variant has not been reported in individuals with PMS2-related conditions in the published literature. It also has not been reported in large, multi-ethnic general populations (Genome Aggregation Database). Analysis of this variant using bioinformatics tools for the prediction of the effect of amino acid changes on protein structure and function yielded predictions that this variant is damaging. Based on the available information, we are unable to determine the clinical significance of this variant.

All of Us Research Program, National Institutes of Health
Classification: Uncertain significance for Lynch syndrome. Last evaluated: 2024-08-06. Review status: criteria provided, single submitter. Criteria: ACMG Guidelines, 2015. Collection method: clinical testing. Allele origin: germline. Inheritance: Autosomal dominant inheritance. Observed: 1 variant allele, 1 heterozygote.
Comment: This study involves interpretation of variants in research participants for the purpose of population health screening. Participant phenotype was not available at the time of variant classification. Additional details can be found in publication PMID: 35346344, PMCID: PMC8962531

Ambry Genetics
Classification: Uncertain significance for Hereditary cancer-predisposing syndrome. Last evaluated: 2024-05-04. Review status: criteria provided, single submitter. Criteria: Ambry Variant Classification Scheme 2023. Collection method: clinical testing. Allele origin: germline.
Comment: The p.F137V variant (also known as c.409T>G), located in coding exon 5 of the PMS2 gene, results from a T to G substitution at nucleotide position 409. The phenylalanine at codon 137 is replaced by valine, an amino acid with highly similar properties. This amino acid position is not well conserved in available vertebrate species. In addition, this alteration is predicted to be deleterious by in silico analysis. Since supporting evidence is limited at this time, the clinical significance of this alteration remains unclear.

Labcorp Genetics (formerly Invitae), Labcorp
Classification: Uncertain significance for Hereditary nonpolyposis colorectal neoplasms. Last evaluated: 2022-12-04. Review status: criteria provided, single submitter. Criteria: Invitae Variant Classification Sherloc (09022015). Collection method: clinical testing. Allele origin: germline.
Comment: This variant has not been reported in the literature in individuals affected with PMS2-related conditions. This variant is not present in population databases (gnomAD no frequency). This sequence change replaces phenylalanine, which is neutral and non-polar, with valine, which is neutral and non-polar, at codon 137 of the PMS2 protein (p.Phe137Val). ClinVar contains an entry for this variant (Variation ID: 411066). In summary, the available evidence is currently insufficient to determine the role of this variant in disease. Therefore, it has been classified as a Variant of Uncertain Significance. Advanced modeling of protein sequence and biophysical properties (such as structural, functional, and spatial information, amino acid conservation, physicochemical variation, residue mobility, and thermodynamic stability) performed at Invitae indicates that this missense variant is expected to disrupt PMS2 protein function.